The following is an entry in ClinVar:

NM_001330078.2(NRXN1):c.3458C>T (p.Ala1153Val)

Gene: NRXN1 (neurexin 1; minus strand). Cytogenetic location: 2p16.3.
Variant type: single nucleotide variant.
Coding change: c.3458C>T on transcript NM_001330078.2 (MANE Select); coding-DNA position 3458, C replaced by T.
Protein change: p.Ala1153Val; replaces alanine 1153 with valine.
Molecular consequence: missense variant.
Genome position (GRCh38, 1-based): chr2:50,236,877, G>A on the plus strand (C>T on the coding strand, the complement: NRXN1 is on the minus strand). VCF-style: chr2-50236877-G-A. GRCh37 (hg19) VCF-style: chr2-50464015-G-A.
Other names: c.3578C>T, p.Ala1193Val (NM_001135659.3); c.3434C>T, p.Ala1145Val (NM_001330077.2, NM_001330082.2); c.3392C>T, p.Ala1131Val (NM_001330083.2, NM_001330084.2); c.3431C>T, p.Ala1144Val (NM_001330085.2); c.3458C>T, p.Ala1153Val (NM_001330086.2, NM_004801.6); c.3347C>T, p.Ala1116Val (NM_001330087.2, NM_001330096.2); c.3377C>T, p.Ala1126Val (NM_001330088.2); c.353C>T, p.Ala118Val (NM_001330091.2, NM_001330092.2, NM_001330097.2 and 1 more transcripts); and 3 more; short protein forms A1126V, A1131V, A1144V, A1145V, A1149V, A1152V, A1153V, A118V.
Identifiers: ClinVar variation 1033731 (VCV001033731.1), dbSNP rs2065486936, ClinGen allele CA346820954.

ClinVar aggregate classification (germline): Uncertain significance (1 of 4 stars; one submission).

Conditions:
Pitt-Hopkins-like syndrome 2 (PTHSL2). Identifiers: Orphanet 221150, Orphanet 600663, MedGen C3280479, MONDO:0013690, OMIM 614325.

Allele frequency attached by ClinVar (database versions not stated): gnomAD exomes below 0.00001.
gnomAD v4.1: 1 of 1,613,222 alleles (0.000062%); highest among the groups gnomAD compares: Non-Finnish European, 0.000085%; no homozygotes.

Submission:

Baylor Genetics
Classification: Uncertain significance for Pitt-Hopkins-like syndrome 2. Last evaluated: 2018-06-26. Review status: criteria provided, single submitter. Criteria: ACMG Guidelines, 2015. Collection method: clinical testing. Allele origin: paternal. Affected: yes.
Comment: This variant was determined to be of uncertain significance according to ACMG Guidelines, 2015 [PMID:25741868].